The following is an entry in ClinVar:

ClinVar aggregate classification (germline): Uncertain significance. Review status: criteria provided, multiple submitters, no conflicts (2 of 4 stars). 2 submissions from 2 submitters: Uncertain significance (2). Last evaluated 2025-06-03.

Conditions:
Inborn genetic diseases. Identifiers: MedGen C0950123, MeSH D030342.

Allele frequency attached by ClinVar (database versions not stated): gnomAD exomes 0.00001; TOPMed 0.00002; gnomAD 0.00001.
gnomAD v4.1: 8 of 1,609,922 alleles (0.0005%); highest among the groups gnomAD compares: Admixed American, 0.0067%; no homozygotes.

Submissions (2):

Ambry Genetics
Classification: Uncertain significance for Inborn genetic diseases. Last evaluated: 2025-06-03. Review status: criteria provided, single submitter. Criteria: Ambry Variant Classification Scheme 2023. Collection method: clinical testing. Allele origin: germline.

Labcorp Genetics (formerly Invitae), Labcorp
Classification: Uncertain significance. Last evaluated: 2022-10-24. Review status: criteria provided, single submitter. Criteria: Invitae Variant Classification Sherloc (09022015). Collection method: clinical testing. Allele origin: germline.
Comment: This sequence change replaces threonine, which is neutral and polar, with alanine, which is neutral and non-polar, at codon 382 of the COLGALT1 protein (p.Thr382Ala). This variant is present in population databases (no rsID available, gnomAD 0.004%). This variant has not been reported in the literature in individuals affected with COLGALT1-related conditions. Advanced modeling of protein sequence and biophysical properties (such as structural, functional, and spatial information, amino acid conservation, physicochemical variation, residue mobility, and thermodynamic stability) performed at Invitae indicates that this missense variant is not expected to disrupt COLGALT1 protein function. In summary, the available evidence is currently insufficient to determine the role of this variant in disease. Therefore, it has been classified as a Variant of Uncertain Significance.

NM_024656.4(COLGALT1):c.1144A>G (p.Thr382Ala)

Gene: COLGALT1 (collagen beta(1-O)galactosyltransferase 1; plus strand). Cytogenetic location: 19p13.11.
Variant type: single nucleotide variant.
Coding change: c.1144A>G on transcript NM_024656.4 (MANE Select); coding-DNA position 1144, A replaced by G.
Protein change: p.Thr382Ala; replaces threonine 382 with alanine.
Molecular consequence: missense variant.
Genome position (GRCh38, 1-based): chr19:17,577,967, A>G. VCF-style: chr19-17577967-A-G. GRCh37 (hg19) VCF-style: chr19-17688776-A-G.
Other names: c.1144A>G (NM_024656.2); short protein forms T382A.
Identifiers: ClinVar variation 2050930 (VCV002050930.2), dbSNP rs1446694213, ClinGen allele CA404711085.
Genomic context (GRCh38, chr19:17,577,967, plus strand): 5'-ATGGCAGGCAGGGTGAACCTTCTTCGTGACCCTCTCCTCCTCCTCTCCAGAGCCATGAAC[A>G]CCAGCCAGGTGGAGGCGCTGGGGATCCAGATGCTGCCTGGCTACCGGGACCCCTACCACG-3'
Protein context (NP_078932.2, residues 372-392): VEAVDGKAMN[Thr382Ala]SQVEALGIQM